The following is an entry in ClinVar:

NM_002880.4(RAF1):c.752T>G (p.Leu251Arg)

Gene: RAF1 (Raf-1 proto-oncogene, serine/threonine kinase; minus strand). Cytogenetic location: 3p25.2.
Variant type: single nucleotide variant.
Coding change: c.752T>G on transcript NM_002880.4 (MANE Select); coding-DNA position 752, T replaced by G.
Protein change: p.Leu251Arg; replaces leucine 251 with arginine.
Molecular consequence: missense variant. On other transcripts: non-coding transcript variant (3).
Genome position (GRCh38, 1-based): chr3:12,604,218, A>C on the plus strand (T>G on the coding strand, the complement: RAF1 is on the minus strand). VCF-style: chr3-12604218-A-C. GRCh37 (hg19) VCF-style: chr3-12645717-A-C.
Other names: c.752T>G, p.Leu251Arg (NM_001354689.3, NM_001354690.3); c.509T>G, p.Leu170Arg (NM_001354691.3, NM_001354692.3, NM_001354694.3); c.653T>G, p.Leu218Arg (NM_001354693.3); c.410T>G, p.Leu137Arg (NM_001354695.3); short protein forms L170R, L251R, L218R, L137R.
Identifiers: ClinVar variation 2141627 (VCV002141627.4), dbSNP rs1553613787, ClinGen allele CA351512610.
Genomic context (GRCh38, chr3:12,604,218, plus strand): 5'-GGCAGGGTGGTGCTGACCATGTGGACATTAGGTGTGGATGTCGACCTCTGCCTCTGGGAG[A>C]GGGAACCTTCAGATGAGGGACTGGAGGTGTTAAAGGTGAAGGCGTGAGGTGTAGAATATC-3'
Protein context (NP_002871.1, residues 241-261): NTSSPSSEGS[Leu251Arg]SQRQRSTSTP

ClinVar aggregate classification (germline): Uncertain significance (1 of 4 stars; one submission).

Conditions:
RASopathy. Also called: rasopathies; Noonan spectrum disorder. Identifiers: Orphanet 536391, MedGen C5555857, MONDO:0021060.

Submission:

Labcorp Genetics (formerly Invitae), Labcorp
Classification: Uncertain significance for RASopathy. Last evaluated: 2022-05-07. Review status: criteria provided, single submitter. Criteria: Invitae Variant Classification Sherloc (09022015). Collection method: clinical testing. Allele origin: germline.
Comment: In summary, the available evidence is currently insufficient to determine the role of this variant in disease. Therefore, it has been classified as a Variant of Uncertain Significance. Advanced modeling of protein sequence and biophysical properties (such as structural, functional, and spatial information, amino acid conservation, physicochemical variation, residue mobility, and thermodynamic stability) performed at Invitae indicates that this missense variant is expected to disrupt RAF1 protein function. This variant has not been reported in the literature in individuals affected with RAF1-related conditions. This variant is not present in population databases (gnomAD no frequency). This sequence change replaces leucine, which is neutral and non-polar, with arginine, which is basic and polar, at codon 251 of the RAF1 protein (p.Leu251Arg).